The following is an entry in ClinVar:

ClinVar aggregate classification (germline): Pathogenic (1 of 4 stars; one submission).

Conditions:
Neurofibromatosis, type 1 (NF1). Also called: Neurofibromatosis, type I; VON RECKLINGHAUSEN DISEASE; NEUROFIBROMATOSIS, TYPE I, SOMATIC; Peripheral type neurofibromatosis. Identifiers: Orphanet 636, MedGen C0027831, MONDO:0018975, OMIM 162200. Disease mechanism: loss of function.

Submission:

Labcorp Genetics (formerly Invitae), Labcorp
Classification: Pathogenic for Neurofibromatosis, type 1. Last evaluated: 2023-02-21. Review status: criteria provided, single submitter. Criteria: Invitae Variant Classification Sherloc (09022015). Collection method: clinical testing. Allele origin: germline.
Comment: For these reasons, this variant has been classified as Pathogenic. This variant has not been reported in the literature in individuals affected with NF1-related conditions. This variant is not present in population databases (gnomAD no frequency). This sequence change creates a premature translational stop signal (p.Ala1580Aspfs*21) in the NF1 gene. It is expected to result in an absent or disrupted protein product. Loss-of-function variants in NF1 are known to be pathogenic (PMID: 10712197, 23913538).

Literature cited by the submitters: PubMed 10712197; PubMed 23913538.

NM_001042492.3(NF1):c.4801_4802insA (p.Ala1601fs)

Gene: NF1 (neurofibromin 1; plus strand). Cytogenetic location: 17q11.2.
Variant type: Insertion.
Coding change: c.4801_4802insA on transcript NM_001042492.3 (MANE Select); coding-DNA positions 4801 to 4802, A inserted.
Protein change: p.Ala1601fs; shifts the reading frame from alanine 1601.
Molecular consequence: frameshift variant.
Genome position: GRCh38 VCF-style: chr17-31265305-G-GA. GRCh37 (hg19) VCF-style: chr17-29592323-G-GA.
Other names: c.4738_4739insA, p.Ala1580Aspfs (NM_000267.4); short protein forms A1601fs, A1580fs.
Identifiers: ClinVar variation 2839330 (VCV002839330.3), dbSNP rs2508445558, ClinGen allele CA2739267416.
Genomic context (GRCh38, chr17:31,265,305, plus strand): 5'-AAAGAAGAATTCAAGGCTTTGAAAACGTTAAGTATTTTCTACCAAGCTGGGACTTCCAAA[G>GA]CTGGGAATCCTATTTTTTATTATGTTGCACGGAGGTAAGAAATACTATGTTTTGGGTCTC-3'